The following is an entry in ClinVar:

ClinVar aggregate classification (germline): Uncertain significance (1 of 4 stars; one submission).

Allele frequency attached by ClinVar (database versions not stated): TOPMed below 0.00001; ExAC 0.00001; gnomAD exomes 0.00001.
gnomAD v4.1: 13 of 1,614,240 alleles (0.00081%); highest among the groups gnomAD compares: Non-Finnish European, 0.001%; no homozygotes.

Submission:

Labcorp Genetics (formerly Invitae), Labcorp
Classification: Uncertain significance. Last evaluated: 2022-07-12. Review status: criteria provided, single submitter. Criteria: Invitae Variant Classification Sherloc (09022015). Collection method: clinical testing. Allele origin: germline.
Comment: In summary, the available evidence is currently insufficient to determine the role of this variant in disease. Therefore, it has been classified as a Variant of Uncertain Significance. Advanced modeling of protein sequence and biophysical properties (such as structural, functional, and spatial information, amino acid conservation, physicochemical variation, residue mobility, and thermodynamic stability) performed at Invitae indicates that this missense variant is not expected to disrupt FLNB protein function. This variant has not been reported in the literature in individuals affected with FLNB-related conditions. This variant is present in population databases (rs779112351, gnomAD 0.003%). This sequence change replaces serine, which is neutral and polar, with asparagine, which is neutral and polar, at codon 1737 of the FLNB protein (p.Ser1737Asn).

NM_001457.4(FLNB):c.5210G>A (p.Ser1737Asn)

Gene: FLNB (filamin B; plus strand). Cytogenetic location: 3p14.3.
Variant type: single nucleotide variant.
Coding change: c.5210G>A on transcript NM_001457.4 (MANE Select); coding-DNA position 5210, G replaced by A.
Protein change: p.Ser1737Asn; replaces serine 1737 with asparagine.
Molecular consequence: missense variant.
Genome position (GRCh38, 1-based): chr3:58,142,678, G>A. VCF-style: chr3-58142678-G-A. GRCh37 (hg19) VCF-style: chr3-58128405-G-A.
Other names: c.5303G>A, p.Ser1768Asn (NM_001164317.2); c.5177G>A, p.Ser1726Asn (NM_001164318.2); c.5138G>A, p.Ser1713Asn (NM_001164319.2); short protein forms S1726N, S1713N, S1737N, S1768N.
Identifiers: ClinVar variation 1970146 (VCV001970146.5), dbSNP rs779112351, ClinGen allele CA2468993.